The following is an entry in ClinVar:

NM_001376.5(DYNC1H1):c.526G>T (p.Asp176Tyr)

Gene: DYNC1H1 (dynein cytoplasmic 1 heavy chain 1; plus strand). Cytogenetic location: 14q32.31.
Variant type: single nucleotide variant.
Coding change: c.526G>T on transcript NM_001376.5 (MANE Select); coding-DNA position 526, G replaced by T.
Protein change: p.Asp176Tyr; replaces aspartic acid 176 with tyrosine.
Molecular consequence: missense variant.
Genome position (GRCh38, 1-based): chr14:101,979,726, G>T. VCF-style: chr14-101979726-G-T. GRCh37 (hg19) VCF-style: chr14-102446063-G-T.
Other names: short protein forms D176Y.
Identifiers: ClinVar variation 3636111 (VCV003636111.2).

ClinVar aggregate classification (germline): Uncertain significance (1 of 4 stars; one submission).

Conditions:
Charcot-Marie-Tooth disease axonal type 2O. Also called: CHARCOT-MARIE-TOOTH NEUROPATHY, AXONAL, TYPE 2O; CHARCOT-MARIE-TOOTH DISEASE, AXONAL, AUTOSOMAL DOMINANT, TYPE 2O; Charcot-Marie-Tooth Neuropathy Type 2O; Charcot-Marie-Tooth disease, axonal, type 20. Identifiers: Orphanet 284232, MedGen C3280220, MONDO:0013644, OMIM 614228.

Submission:

Labcorp Genetics (formerly Invitae), Labcorp
Classification: Uncertain significance for Charcot-Marie-Tooth disease axonal type 2O. Last evaluated: 2025-06-23. Review status: criteria provided, single submitter. Criteria: Invitae Variant Classification Sherloc (09022015). Collection method: clinical testing. Allele origin: germline.
Comment: This sequence change replaces aspartic acid, which is acidic and polar, with tyrosine, which is neutral and polar, at codon 176 of the DYNC1H1 protein (p.Asp176Tyr). This variant is not present in population databases (gnomAD no frequency). This variant has not been reported in the literature in individuals affected with DYNC1H1-related conditions. ClinVar contains an entry for this variant (Variation ID: 3636111). Invitae Evidence Modeling of protein sequence and biophysical properties (such as structural, functional, and spatial information, amino acid conservation, physicochemical variation, residue mobility, and thermodynamic stability) indicates that this missense variant is expected to disrupt DYNC1H1 protein function with a positive predictive value of 95%. In summary, the available evidence is currently insufficient to determine the role of this variant in disease. Therefore, it has been classified as a Variant of Uncertain Significance.